The following is an entry in ClinVar:

NM_000540.3(RYR1):c.8524A>G (p.Ile2842Val)

Genes: RYR1 (ryanodine receptor 1; plus strand), LOC126862902 (BRD4-independent group 4 enhancer GRCh37_chr19:38995830-38997029; plus strand). Cytogenetic location: 19q13.2.
Variant type: single nucleotide variant.
Coding change: c.8524A>G on transcript NM_000540.3 (MANE Select); coding-DNA position 8524, A replaced by G.
Protein change: p.Ile2842Val; replaces isoleucine 2842 with valine.
Molecular consequence: missense variant.
Genome position (GRCh38, 1-based): chr19:38,505,929, A>G. VCF-style: chr19-38505929-A-G. GRCh37 (hg19) VCF-style: chr19-38996569-A-G.
Other names: c.8524A>G, p.Ile2842Val (NM_001042723.2); short protein forms I2842V.
Identifiers: ClinVar variation 4535283 (VCV004535283.6).
Genomic context (GRCh38, chr19:38,505,929, plus strand): 5'-ACGATAGAGAAGGCCAGGGAGGGTGAGGAGGAGAAGACGGAAAAGAAAAAAACGCGGAAG[A>G]TATCACAAAGTGCCCAGGTGAAGGCGGGGCCTGGGTGGAGGGCAGGGGCACGATGGGGGG-3'
Protein context (NP_000531.2, residues 2832-2852): EKTEKKKTRK[Ile2842Val]SQSAQTYDPR

ClinVar aggregate classification (germline): Uncertain significance (1 of 4 stars; one submission).

gnomAD v4.1: 1 of 1,613,356 alleles (0.000062%); highest among the groups gnomAD compares: Non-Finnish European, 0.000085%; no homozygotes.

Submission:

CeGaT Center for Human Genetics Tuebingen
Classification: Uncertain significance. Last evaluated: 2025-11-01. Review status: criteria provided, single submitter. Criteria: CeGaT Center For Human Genetics Tuebingen Variant Classification Criteria Version 2. Collection method: clinical testing. Allele origin: germline. Affected: yes. Observed: 1 variant allele.
Comment: RYR1: PM2, PP3